The following is an entry in ClinVar:

ClinVar aggregate classification (germline): Uncertain significance. Review status: criteria provided, multiple submitters, no conflicts (2 of 4 stars). 5 submissions from 5 submitters: Uncertain significance (3). 2 of the submissions do not count toward it. Last evaluated 2022-05-17.

Conditions:
Age related macular degeneration 9. Identifiers: MedGen C1969651, MONDO:0012659, OMIM 611378.
Atypical hemolytic-uremic syndrome with C3 anomaly. Also called: AHUS, SUSCEPTIBILITY TO, 5. Identifiers: Orphanet 2134, MedGen C2752037, MONDO:0013043, OMIM 612925.
Complement component 3 deficiency. Identifiers: Orphanet 280133, MedGen C3151071, MONDO:0013417, OMIM 613779.

Allele frequency attached by ClinVar (database versions not stated): gnomAD exomes below 0.00001 and 0.00001; ExAC 0.00001; TOPMed 0.00001; gnomAD 0.00003; ESP Exome Variant Server 0.00008.
gnomAD v4.1: 24 of 1,614,014 alleles (0.0015%); highest among the groups gnomAD compares: Non-Finnish European, 0.0019%; no homozygotes.

Submissions (5):

Fulgent Genetics
Classification: Uncertain significance for Age related macular degeneration 9; Atypical hemolytic-uremic syndrome with C3 anomaly; Complement component 3 deficiency. Last evaluated: 2022-05-17. Review status: criteria provided, single submitter. Criteria: ACMG Guidelines, 2015. Collection method: clinical testing. Allele origin: unknown.

Labcorp Genetics (formerly Invitae), Labcorp
Classification: Uncertain significance. Last evaluated: 2022-02-20. Review status: criteria provided, single submitter. Criteria: Invitae Variant Classification Sherloc (09022015). Collection method: clinical testing. Allele origin: germline.
Comment: This sequence change replaces glutamic acid, which is acidic and polar, with glutamine, which is neutral and polar, at codon 1636 of the C3 protein (p.Glu1636Gln). This variant is present in population databases (rs139388954, gnomAD 0.0009%). This variant has not been reported in the literature in individuals affected with C3-related conditions. ClinVar contains an entry for this variant (Variation ID: 1163114). Algorithms developed to predict the effect of missense changes on protein structure and function are either unavailable or do not agree on the potential impact of this missense change (SIFT: "Tolerated"; PolyPhen-2: "Possibly Damaging"; Align-GVGD: "Class C0"). In summary, the available evidence is currently insufficient to determine the role of this variant in disease. Therefore, it has been classified as a Variant of Uncertain Significance.

Mayo Clinic Laboratories, Mayo Clinic
Classification: Uncertain significance. Last evaluated: 2020-09-23. Review status: criteria provided, single submitter. Criteria: ACMG Guidelines, 2015. Collection method: clinical testing. Allele origin: germline. Observed: 1 variant allele.

Clinical Genetics DNA and cytogenetics Diagnostics Lab, Erasmus MC, Erasmus Medical Center
Classification: Uncertain significance. Review status: no assertion criteria provided. Collection method: clinical testing. Allele origin: germline. Affected: yes. Study: VKGL Data-share Consensus. Not counted in ClinVar's aggregate classification.

Diagnostic Laboratory, Department of Genetics, University Medical Center Groningen
Classification: Uncertain significance. Review status: no assertion criteria provided. Collection method: clinical testing. Allele origin: germline. Affected: yes. Study: VKGL Data-share Consensus. Not counted in ClinVar's aggregate classification.

NM_000064.4(C3):c.4906G>C (p.Glu1636Gln)

Gene: C3 (complement C3; minus strand). Cytogenetic location: 19p13.3.
Variant type: single nucleotide variant.
Coding change: c.4906G>C on transcript NM_000064.4 (MANE Select); coding-DNA position 4906, G replaced by C.
Protein change: p.Glu1636Gln; replaces glutamic acid 1636 with glutamine.
Molecular consequence: missense variant.
Genome position (GRCh38, 1-based): chr19:6,677,968, C>G on the plus strand (G>C on the coding strand, the complement: C3 is on the minus strand). VCF-style: chr19-6677968-C-G. GRCh37 (hg19) VCF-style: chr19-6677979-C-G.
Other names: short protein forms E1636Q.
Identifiers: ClinVar variation 1163114 (VCV001163114.14), dbSNP rs139388954, ClinGen allele CA9128199.